The following is an entry in ClinVar:

ClinVar aggregate classification (germline): Uncertain significance (1 of 4 stars; one submission).

Allele frequency attached by ClinVar (database versions not stated): TOPMed below 0.00001.

Submission:

Labcorp Genetics (formerly Invitae), Labcorp
Classification: Uncertain significance. Last evaluated: 2022-07-05. Review status: criteria provided, single submitter. Criteria: Invitae Variant Classification Sherloc (09022015). Collection method: clinical testing. Allele origin: germline.
Comment: This sequence change replaces alanine, which is neutral and non-polar, with proline, which is neutral and non-polar, at codon 4678 of the USH2A protein (p.Ala4678Pro). This variant is not present in population databases (gnomAD no frequency). This variant has not been reported in the literature in individuals affected with USH2A-related conditions. ClinVar contains an entry for this variant (Variation ID: 1488410). Algorithms developed to predict the effect of missense changes on protein structure and function are either unavailable or do not agree on the potential impact of this missense change (SIFT: "Deleterious"; PolyPhen-2: "Possibly Damaging"; Align-GVGD: "Class C0"). In summary, the available evidence is currently insufficient to determine the role of this variant in disease. Therefore, it has been classified as a Variant of Uncertain Significance.

NM_206933.4(USH2A):c.14032G>C (p.Ala4678Pro)

Gene: USH2A (usherin; minus strand). Cytogenetic location: 1q41.
Variant type: single nucleotide variant.
Coding change: c.14032G>C on transcript NM_206933.4 (MANE Select); coding-DNA position 14032, G replaced by C.
Protein change: p.Ala4678Pro; replaces alanine 4678 with proline.
Molecular consequence: missense variant.
Genome position (GRCh38, 1-based): chr1:215,671,073, C>G on the plus strand (G>C on the coding strand, the complement: USH2A is on the minus strand). VCF-style: chr1-215671073-C-G. GRCh37 (hg19) VCF-style: chr1-215844415-C-G.
Other names: short protein forms A4678P.
Identifiers: ClinVar variation 1488410 (VCV001488410.5), dbSNP rs1657799048, ClinGen allele CA344840528.